The following is an entry in ClinVar:

ClinVar aggregate classification (germline): Uncertain significance (1 of 4 stars; one submission).

Conditions:
Sulfite oxidase deficiency due to molybdenum cofactor deficiency type C. Also called: Molybdenum cofactor deficiency C; Molybdenum cofactor deficiency, complementation group C. Identifiers: Orphanet 308400, Orphanet 833, MedGen C1854990, MONDO:0014212, OMIM 615501.

Allele frequency attached by ClinVar (database versions not stated): gnomAD exomes below 0.00001 and 0.00002; gnomAD 0.00002 and 0.00003; TOPMed 0.00002; ExAC 0.00003; 1000 Genomes Project 30x 0.00016; 1000 Genomes Project 0.00020.
gnomAD v4.1: 8 of 1,536,600 alleles (0.00052%); highest among the groups gnomAD compares: African/African-American, 0.0054%; no homozygotes.

Submission:

Labcorp Genetics (formerly Invitae), Labcorp
Classification: Uncertain significance for Sulfite oxidase deficiency due to molybdenum cofactor deficiency type C. Last evaluated: 2024-03-20. Review status: criteria provided, single submitter. Criteria: Invitae Variant Classification Sherloc (09022015). Collection method: clinical testing. Allele origin: germline.
Comment: This sequence change replaces arginine, which is basic and polar, with glutamine, which is neutral and polar, at codon 93 of the GPHN protein (p.Arg93Gln). This variant is present in population databases (rs199979921, gnomAD 0.01%). This variant has not been reported in the literature in individuals affected with GPHN-related conditions. ClinVar contains an entry for this variant (Variation ID: 852719). Advanced modeling of protein sequence and biophysical properties (such as structural, functional, and spatial information, amino acid conservation, physicochemical variation, residue mobility, and thermodynamic stability) performed at Invitae indicates that this missense variant is expected to disrupt GPHN protein function with a positive predictive value of 80%. In summary, the available evidence is currently insufficient to determine the role of this variant in disease. Therefore, it has been classified as a Variant of Uncertain Significance.

NM_020806.5(GPHN):c.278G>A (p.Arg93Gln)

Gene: GPHN (gephyrin; plus strand). Cytogenetic location: 14q23.3.
Variant type: single nucleotide variant.
Coding change: c.278G>A on transcript NM_020806.5 (MANE Select); coding-DNA position 278, G replaced by A.
Protein change: p.Arg93Gln; replaces arginine 93 with glutamine.
Molecular consequence: missense variant.
Genome position (GRCh38, 1-based): chr14:66,824,550, G>A. VCF-style: chr14-66824550-G-A. GRCh37 (hg19) VCF-style: chr14-67291268-G-A.
Other names: c.278G>A, p.Arg93Gln (NM_001024218.2, NM_001377514.1, NM_001377515.1 and 4 more transcripts); short protein forms R93Q.
Identifiers: ClinVar variation 852719 (VCV000852719.10), dbSNP rs199979921, ClinGen allele CA7233705.